The following is an entry in ClinVar:

NM_024529.5(CDC73):c.119A>G (p.Tyr40Cys)

Gene: CDC73 (cell division cycle 73; plus strand). Cytogenetic location: 1q31.2.
Variant type: single nucleotide variant.
Coding change: c.119A>G on transcript NM_024529.5 (MANE Select); coding-DNA position 119, A replaced by G.
Protein change: p.Tyr40Cys; replaces tyrosine 40 with cysteine.
Molecular consequence: missense variant.
Genome position (GRCh38, 1-based): chr1:193,122,319, A>G. VCF-style: chr1-193122319-A-G. GRCh37 (hg19) VCF-style: chr1-193091449-A-G.
Other names: c.119A>G (NM_024529.4); short protein forms Y40C.
Identifiers: ClinVar variation 1425100 (VCV001425100.9), dbSNP rs1019931450, ClinGen allele CA34408018.
Genomic context (GRCh38, chr1:193,122,319, plus strand): 5'-TGAAGGGAGACGAAGTGATCTTCGGGGAGTTCTCCTGGCCCAAGAATGTGAAGACCAACT[A>G]TGTTGTTTGGGGGTAAGTCCGGCATGGCTGTGGCCCAGGGGTGGCAGGGCAGAGTTGGGC-3'
Protein context (NP_078805.3, residues 30-50): FSWPKNVKTN[Tyr40Cys]VVWGTGKEGQ

ClinVar aggregate classification (germline): Uncertain significance. Review status: criteria provided, multiple submitters, no conflicts (2 of 4 stars). 2 submissions from 2 submitters: Uncertain significance (2). Last evaluated 2025-10-10.

Conditions:
Parathyroid carcinoma (PRTC). Also called: CDC73-Related Parathyroid Carcinoma; Parathyroid gland carcinoma. Identifiers: Orphanet 143, MedGen C0687150, MONDO:0012004, OMIM 608266, HP:0006780.
Hereditary cancer-predisposing syndrome. Also called: Tumor predisposition; Hereditary neoplastic syndrome; Neoplastic Syndromes, Hereditary; Hereditary Cancer Syndrome. Identifiers: Orphanet 140162, MedGen C0027672, MeSH D009386, MONDO:0015356.

Allele frequency attached by ClinVar (database versions not stated): TOPMed below 0.00001.

Submissions (2):

Ambry Genetics
Classification: Uncertain significance for Hereditary cancer-predisposing syndrome. Last evaluated: 2025-10-10. Review status: criteria provided, single submitter. Criteria: Ambry Variant Classification Scheme 2023. Collection method: clinical testing. Allele origin: germline.
Comment: The p.Y40C variant (also known as c.119A>G), located in coding exon 1 of the CDC73 gene, results from an A to G substitution at nucleotide position 119. The tyrosine at codon 40 is replaced by cysteine, an amino acid with highly dissimilar properties. This amino acid position is conserved. In addition, this alteration is predicted to be deleterious by in silico analysis. Based on the available evidence, the clinical significance of this variant remains unclear.

Labcorp Genetics (formerly Invitae), Labcorp
Classification: Uncertain significance for Parathyroid carcinoma. Last evaluated: 2025-04-10. Review status: criteria provided, single submitter. Criteria: Invitae Variant Classification Sherloc (09022015). Collection method: clinical testing. Allele origin: germline.
Comment: This sequence change replaces tyrosine, which is neutral and polar, with cysteine, which is neutral and slightly polar, at codon 40 of the CDC73 protein (p.Tyr40Cys). This variant is not present in population databases (gnomAD no frequency). This variant has not been reported in the literature in individuals affected with CDC73-related conditions. ClinVar contains an entry for this variant (Variation ID: 1425100). Invitae Evidence Modeling of protein sequence and biophysical properties (such as structural, functional, and spatial information, amino acid conservation, physicochemical variation, residue mobility, and thermodynamic stability) indicates that this missense variant is expected to disrupt CDC73 protein function with a positive predictive value of 80%. In summary, the available evidence is currently insufficient to determine the role of this variant in disease. Therefore, it has been classified as a Variant of Uncertain Significance.